The following is an entry in ClinVar:

ClinVar aggregate classification (germline): Uncertain significance. Review status: reviewed by expert panel (3 of 4 stars). 2 submissions from 2 submitters: Uncertain significance (1). 1 of the submissions does not count toward it. Last evaluated 2025-08-05.

Conditions:
Monogenic diabetes. Identifiers: Orphanet 183625, MedGen C3888631, MONDO:0015967.
Diabetes mellitus type 1 (T1D). Also called: Diabetes Mellitus, Juvenile-Onset; Type I diabetes mellitus. Identifiers: MedGen C0011854, MONDO:0005147, OMIM 222100, HP:0100651.
Hepatic adenomas, familial. Also called: LIVER CELL ADENOMAS, FAMILIAL; HEPATIC ADENOMA, SOMATIC. Identifiers: MedGen C1840646, MONDO:0007718, OMIM 142330.
Type 1 diabetes mellitus 20 (T1D20). Also called: Diabetes mellitus, insulin-dependent, 20. Identifiers: MedGen C2675866, MONDO:0012919, OMIM 612520.
Nonpapillary renal cell carcinoma. Identifiers: Orphanet 422526, MedGen CN074294, MONDO:0007763, OMIM 144700.
Maturity-onset diabetes of the young type 3. Also called: MODY type 3; MODY, type III. Identifiers: Orphanet 552, MedGen C1838100, MeSH C563933, MONDO:0010894, OMIM 600496. Disease mechanism: loss of function.
Type 2 diabetes mellitus. Also called: Type II diabetes mellitus. Identifiers: MedGen C0011860, MeSH D003924, MONDO:0005148, OMIM 125853, HP:0005978.

Submissions (2):

ClinGen Monogenic Diabetes Variant Curation Expert Panel
Classification: Uncertain significance for Monogenic diabetes. Last evaluated: 2025-08-05. Review status: reviewed by expert panel. Criteria: ClinGen Diabetes ACMG Specifications HNF1A V3.0.0. Collection method: curation. Allele origin: germline. Inheritance: Autosomal dominant inheritance.
Comment: The c.41C>T variant in the HNF1 homeobox A gene, HNF1A, causes an amino acid change of alanine to valine at codon 14 (p.(Ala14Val)) of NM_000545.8. This variant is absent from gnomAD v4.1.0 (PM2_Supporting). Additionally, this variant is located within the dimerization domain of HNF1A, which is defined as critical for the protein’s function by the ClinGen MDEP (PM1_Supporting).In summary, this variant meets the criteria to be classified as a variant of uncertain significance for monogenic diabetes. ACMG/AMP criteria applied, as specified by the ClinGen MDEP (specification version 3.0.0, approved 6/30/2025): PM2_Supporting, PM1_Supporting.

Fulgent Genetics
Classification: Uncertain significance for Type 2 diabetes mellitus; Hepatic adenomas, familial; Nonpapillary renal cell carcinoma; Diabetes mellitus type 1; Maturity-onset diabetes of the young type 3; Type 1 diabetes mellitus 20. Last evaluated: 2024-04-10. Review status: criteria provided, single submitter. Criteria: ACMG Guidelines, 2015. Collection method: clinical testing. Allele origin: germline. Not counted in ClinVar's aggregate classification.

NM_000545.8(HNF1A):c.41C>T (p.Ala14Val)

Gene: HNF1A (HNF1 homeobox A; plus strand). Cytogenetic location: 12q24.31.
Variant type: single nucleotide variant.
Coding change: c.41C>T on transcript NM_000545.8 (MANE Select); coding-DNA position 41, C replaced by T.
Protein change: p.Ala14Val; replaces alanine 14 with valine.
Molecular consequence: missense variant.
Genome position (GRCh38, 1-based): chr12:120,978,809, C>T. VCF-style: chr12-120978809-C-T. GRCh37 (hg19) VCF-style: chr12-121416612-C-T.
Other names: NM_001306179.2:c.41C>T; c.41C>T, p.Ala14Val (NM_001306179.2); short protein forms A14V.
Identifiers: ClinVar variation 1675052 (VCV001675052.5), dbSNP rs772214801, ClinGen allele CA386952464.